The following is an entry in ClinVar:

ClinVar aggregate classification (germline): Uncertain significance (1 of 4 stars; one submission).

Allele frequency attached by ClinVar (database versions not stated): gnomAD 0.00003; TOPMed 0.00003; ExAC 0.00004; gnomAD exomes 0.00005.
gnomAD v4.1: 81 of 1,613,836 alleles (0.005%); highest among the groups gnomAD compares: Non-Finnish European, 0.0063%; no homozygotes.

Submission:

Labcorp Genetics (formerly Invitae), Labcorp
Classification: Uncertain significance. Last evaluated: 2022-07-11. Review status: criteria provided, single submitter. Criteria: Invitae Variant Classification Sherloc (09022015). Collection method: clinical testing. Allele origin: germline.
Comment: This sequence change replaces arginine, which is basic and polar, with histidine, which is basic and polar, at codon 1014 of the COL27A1 protein (p.Arg1014His). This variant is present in population databases (rs765396875, gnomAD 0.009%). This variant has not been reported in the literature in individuals affected with COL27A1-related conditions. Advanced modeling of protein sequence and biophysical properties (such as structural, functional, and spatial information, amino acid conservation, physicochemical variation, residue mobility, and thermodynamic stability) performed at Invitae indicates that this missense variant is not expected to disrupt COL27A1 protein function. In summary, the available evidence is currently insufficient to determine the role of this variant in disease. Therefore, it has been classified as a Variant of Uncertain Significance.

NM_032888.4(COL27A1):c.3041G>A (p.Arg1014His)

Gene: COL27A1 (collagen type XXVII alpha 1 chain; plus strand). Cytogenetic location: 9q32.
Variant type: single nucleotide variant.
Coding change: c.3041G>A on transcript NM_032888.4 (MANE Select); coding-DNA position 3041, G replaced by A.
Protein change: p.Arg1014His; replaces arginine 1014 with histidine.
Molecular consequence: missense variant.
Genome position (GRCh38, 1-based): chr9:114,252,600, G>A. VCF-style: chr9-114252600-G-A. GRCh37 (hg19) VCF-style: chr9-117014880-G-A.
Other names: short protein forms R1014H.
Identifiers: ClinVar variation 2199687 (VCV002199687.1), dbSNP rs765396875, ClinGen allele CA5202237.
Genomic context (GRCh38, chr9:114,252,600, plus strand): 5'-AGCCACCCCACAGCCATAGCCGTGACCTGCCTGCATTGCTGTCTCCATCACAGGGTGATC[G>A]TGGCATGATGGGACCCCCAGGCGTGCCTGGACCCAAGGGGTCGATGGTAAGGAGTAAGTC-3'
Protein context (NP_116277.2, residues 1004-1024): EPGIVGEKGD[Arg1014His]GMMGPPGVPG